The following is an entry in ClinVar:

NM_052867.4(NALCN):c.2212A>T (p.Met738Leu)

Gene: NALCN (sodium leak channel, non-selective; minus strand). Cytogenetic location: 13q33.1.
Variant type: single nucleotide variant.
Coding change: c.2212A>T on transcript NM_052867.4 (MANE Select); coding-DNA position 2212, A replaced by T.
Protein change: p.Met738Leu; replaces methionine 738 with leucine.
Molecular consequence: missense variant.
Genome position (GRCh38, 1-based): chr13:101,111,207, T>A on the plus strand (A>T on the coding strand, the complement: NALCN is on the minus strand). VCF-style: chr13-101111207-T-A. GRCh37 (hg19) VCF-style: chr13-101763558-T-A.
Other names: c.2299A>T, p.Met767Leu (NM_001350748.2); c.2212A>T, p.Met738Leu (NM_001350749.2); c.2125A>T, p.Met709Leu (NM_001350750.2, NM_001350751.2); short protein forms M709L, M738L, M767L.
Identifiers: ClinVar variation 1310512 (VCV001310512.5), dbSNP rs776022751, ClinGen allele CA7035787.

ClinVar aggregate classification (germline): Uncertain significance. Review status: criteria provided, multiple submitters, no conflicts (2 of 4 stars). 2 submissions from 2 submitters: Uncertain significance (2). Last evaluated 2024-08-14.

Allele frequency attached by ClinVar (database versions not stated): ExAC 0.00001; gnomAD exomes 0.00001.
gnomAD v4.1: 3 of 1,599,806 alleles (0.00019%); highest among the groups gnomAD compares: Admixed American, 0.005%; no homozygotes.

Submissions (2):

Labcorp Genetics (formerly Invitae), Labcorp
Classification: Uncertain significance. Last evaluated: 2024-08-14. Review status: criteria provided, single submitter. Criteria: Invitae Variant Classification Sherloc (09022015). Collection method: clinical testing. Allele origin: germline.
Comment: This sequence change replaces methionine, which is neutral and non-polar, with leucine, which is neutral and non-polar, at codon 738 of the NALCN protein (p.Met738Leu). This variant is present in population databases (rs776022751, gnomAD 0.009%). This variant has not been reported in the literature in individuals affected with NALCN-related conditions. ClinVar contains an entry for this variant (Variation ID: 1310512). Invitae Evidence Modeling of protein sequence and biophysical properties (such as structural, functional, and spatial information, amino acid conservation, physicochemical variation, residue mobility, and thermodynamic stability) indicates that this missense variant is not expected to disrupt NALCN protein function with a negative predictive value of 80%. In summary, the available evidence is currently insufficient to determine the role of this variant in disease. Therefore, it has been classified as a Variant of Uncertain Significance.

GeneDx
Classification: Uncertain significance. Last evaluated: 2024-05-22. Review status: criteria provided, single submitter. Criteria: GeneDx Variant Classification Process June 2021. Collection method: clinical testing. Allele origin: germline. Affected: yes.
Comment: In silico analysis indicates that this missense variant does not alter protein structure/function; Has not been previously published as pathogenic or benign to our knowledge